The following is an entry in ClinVar:

ClinVar aggregate classification (germline): Likely pathogenic (1 of 4 stars; one submission).

Conditions:
Hereditary cancer-predisposing syndrome. Also called: Hereditary Cancer Syndrome; Hereditary neoplastic syndrome; Neoplastic Syndromes, Hereditary; Tumor predisposition. Identifiers: Orphanet 140162, MedGen C0027672, MeSH D009386, MONDO:0015356.

Submission:

Sema4
Classification: Likely pathogenic for Hereditary cancer-predisposing syndrome. Last evaluated: 2022-02-22. Review status: criteria provided, single submitter. Criteria: Sema4 Curation Guidelines. Collection method: curation. Allele origin: germline.
Comment: To the best of our knowledge, the NTHL1 c.258dupC (p.W87LfsX30) variant has not been reported in individuals with NTHL1-related disease. This variant causes a frameshift at amino acid 87 that results in premature termination 30 amino acids downstream. At this location, this is predicted to cause nonsense-mediated decay and result in an absent protein (loss of function). Loss-of-function variants in NTHL1 are known to be pathogenic (PMID: 25938944). This variant is not reported in the population database Genome Aggregation Database (PMID: 27535533). The variant has not been reported in ClinVar. Based on the current evidence available, this variant is interpreted as likely pathogenic.

Literature cited by the submitters: PubMed 25938944.

NM_002528.7(NTHL1):c.234dup (p.Trp79fs)

Gene: NTHL1 (nth like DNA glycosylase 1; minus strand). Cytogenetic location: 16p13.3.
Variant type: Duplication.
Coding change: c.234dup on transcript NM_002528.7 (MANE Select); coding-DNA position 234, one base duplicated (C; older notation c.234dupC).
Protein change: p.Trp79fs; shifts the reading frame from tryptophan 79.
Molecular consequence: frameshift variant. On other transcripts: intron variant (1).
Genome position (GRCh38, 1-based): chr16:2,046,248, G duplicated on the plus strand (C on the coding strand, the reverse complement: NTHL1 is on the minus strand). VCF-style (leftmost placement, unchanged base first): chr16-2046247-A-AG. GRCh37 (hg19) VCF-style: chr16-2096248-A-AG.
Other names: c.234dup, p.Trp79fs (NM_001318193.2); c.24+32dup (NM_001318194.2); short protein forms W79fs.
Identifiers: ClinVar variation 1692690 (VCV001692690.1), dbSNP rs2150946400, ClinGen allele CA2573151823.
Genomic context (GRCh38, chr16:2,046,247, plus strand): 5'-CCTTTTTGTTCCTCATGGCACGGATGTTGACCAGCTGTTGCTGCCAGTCCTGGGGCTCCC[A>AG]GACTGGCACCTTGAGGGGCTCAGCCCCCTCACCTTTCTCACTGTCCGAGCCCTCATAGGC-3'